The following is an entry in ClinVar:

NM_015046.7(SETX):c.3564TAA[1] (p.Asn1189del)

Gene: SETX (senataxin; minus strand). Cytogenetic location: 9q34.13.
Variant type: Microsatellite.
Coding change: c.3564TAA[1] on transcript NM_015046.7 (MANE Select); one copy of the 3-base unit TAA starting at c.3564; the reference has two copies in a row; one copy, 3 bases deleted.
Protein change: p.Asn1189del; deletes asparagine 1189.
Molecular consequence: inframe deletion.
Genome position (GRCh38, 1-based): chr9:132,328,029-132,328,031, TTA deleted on the plus strand (TAA on the coding strand, the reverse complement: SETX is on the minus strand); deleting any 3 consecutive bases within chr9:132,328,029-132,328,034 gives the same sequence; the position shown is the placement nearest the transcript's 3' end. VCF-style (leftmost placement, unchanged base first): chr9-132328028-CTTA-C. GRCh37 (hg19) VCF-style: chr9-135203415-CTTA-C.
Other names: c.3564TAA[1], p.Asn1189del (NM_001351527.2, NM_001351528.2); short protein forms N1189del.
Identifiers: ClinVar variation 1330825 (VCV001330825.7), dbSNP rs2131441680, ClinGen allele CA2580617119.

ClinVar aggregate classification (germline): Uncertain significance (1 of 4 stars; one submission).

Submission:

ARUP Laboratories, Molecular Genetics and Genomics, ARUP Laboratories
Classification: Uncertain significance. Last evaluated: 2021-09-08. Review status: criteria provided, single submitter. Criteria: ARUP Molecular Germline Variant Investigation Process 2021. Collection method: clinical testing. Allele origin: germline.
Comment: The SETX c.3567_3569delTAA; p.Asn1189del variant, to our knowledge, is not reported in the medical literature or gene specific databases. This variant is also absent from the Genome Aggregation Database, indicating it is not a common polymorphism. This variant deletes a single asparagine residue leaving the rest of the protein in-frame. Due to limited information, the clinical significance of the SETX c.3567_3569delTAA; p.Asn1189del variant is uncertain at this time.